The following is an entry in ClinVar:

ClinVar aggregate classification (germline): Uncertain significance (1 of 4 stars; one submission).

Conditions:
Dilated cardiomyopathy 1AA (CMD1AA). Also called: CARDIOMYOPATHY, DILATED, 1AA, WITH OR WITHOUT LEFT VENTRICULAR NONCOMPACTION; CARDIOMYOPATHY, FAMILIAL HYPERTROPHIC, 23, WITH OR WITHOUT LEFT VENTRICULAR NONCOMPACTION; Cardiomyopathy, dilated, 1AA, with or without LVNC. Identifiers: Orphanet 154, MedGen C2677338, MONDO:0012808, OMIM 612158.
Primary familial hypertrophic cardiomyopathy (HCM). Identifiers: Orphanet 99739, MedGen C0949658, MeSH D024741, MONDO:0024573. Inheritance: Various modes of inheritance.

Allele frequency attached by ClinVar (database versions not stated): gnomAD exomes below 0.00001; TOPMed below 0.00001; ExAC 0.00001; gnomAD 0.00001.
gnomAD v4.1: 5 of 1,614,018 alleles (0.00031%); highest among the groups gnomAD compares: East Asian, 0.0022%; no homozygotes.

Submission:

Labcorp Genetics (formerly Invitae), Labcorp
Classification: Uncertain significance for Primary familial hypertrophic cardiomyopathy; Dilated cardiomyopathy 1AA. Last evaluated: 2025-05-06. Review status: criteria provided, single submitter. Criteria: Invitae Variant Classification Sherloc (09022015). Collection method: clinical testing. Allele origin: germline.
Comment: This sequence change replaces aspartic acid, which is acidic and polar, with asparagine, which is neutral and polar, at codon 693 of the ACTN2 protein (p.Asp693Asn). This variant is present in population databases (rs781251434, gnomAD 0.006%). This variant has not been reported in the literature in individuals affected with ACTN2-related conditions. ClinVar contains an entry for this variant (Variation ID: 1935132). Invitae Evidence Modeling of protein sequence and biophysical properties (such as structural, functional, and spatial information, amino acid conservation, physicochemical variation, residue mobility, and thermodynamic stability) indicates that this missense variant is not expected to disrupt ACTN2 protein function with a negative predictive value of 80%. In summary, the available evidence is currently insufficient to determine the role of this variant in disease. Therefore, it has been classified as a Variant of Uncertain Significance.

NM_001103.4(ACTN2):c.2077G>A (p.Asp693Asn)

Gene: ACTN2 (actinin alpha 2; plus strand). Cytogenetic location: 1q43.
Variant type: single nucleotide variant.
Coding change: c.2077G>A on transcript NM_001103.4 (MANE Select); coding-DNA position 2077, G replaced by A.
Protein change: p.Asp693Asn; replaces aspartic acid 693 with asparagine.
Molecular consequence: missense variant.
Genome position (GRCh38, 1-based): chr1:236,755,121, G>A. VCF-style: chr1-236755121-G-A. GRCh37 (hg19) VCF-style: chr1-236918421-G-A.
Other names: c.2077G>A, p.Asp693Asn (NM_001278343.2); c.1453G>A, p.Asp485Asn (NM_001278344.2); c.1327G>A, p.Asp443Asn (NM_001412150.1); short protein forms D443N, D693N, D485N.
Identifiers: ClinVar variation 1935132 (VCV001935132.4), dbSNP rs781251434, ClinGen allele CA1473339.